The following is an entry in ClinVar:

NM_001723.7(DST):c.115A>G (p.Thr39Ala)

Gene: DST (dystonin; minus strand). Cytogenetic location: 6p12.1.
Variant type: single nucleotide variant.
Coding change: c.115A>G on transcript NM_001723.7 (MANE Plus Clinical); coding-DNA position 115, A replaced by G.
Protein change: p.Thr39Ala; replaces threonine 39 with alanine.
Molecular consequence: missense variant. On other transcripts: intron variant (9).
Genome position (GRCh38, 1-based): chr6:56,642,674, T>C on the plus strand (A>G on the coding strand, the complement: DST is on the minus strand). VCF-style: chr6-56642674-T-C. GRCh37 (hg19) VCF-style: chr6-56507472-T-C.
Other names: c.115A>G, p.Thr39Ala (NM_015548.5); c.1680-171A>G (NM_001144769.5); c.1779-171A>G (NM_001374722.1, NM_001374736.1); c.1806-171A>G (NM_001374734.1); c.1266-171A>G (NM_001144770.2); c.1146-171A>G (NM_001374730.1, NM_001386100.1, NM_183380.4 and 1 more transcripts); short protein forms T39A.
Identifiers: ClinVar variation 958658 (VCV000958658.8), dbSNP rs372226813, ClinGen allele CA3871589.

ClinVar aggregate classification (germline): Uncertain significance. Review status: criteria provided, multiple submitters, no conflicts (2 of 4 stars). 2 submissions from 2 submitters: Uncertain significance (2). Last evaluated 2025-09-08.

Conditions:
DST-related disorder. Also called: DST-related condition; DST-related disorders.
Epidermolysis bullosa simplex 3, localized or generalized intermediate, with BP230 deficiency (EBS3). Also called: Epidermolysis bullosa simplex, autosomal recessive 2; Epidermolysis bullosa simplex due to BP230 deficiency. Identifiers: Orphanet 412181, MedGen C3809470, MONDO:0014180, OMIM 615425.
Hereditary sensory and autonomic neuropathy type 6. Also called: HSAN VI; Neuropathy, hereditary sensory and autonomic, type VI. Identifiers: Orphanet 314381, MedGen C3539003, MONDO:0013839, OMIM 614653.

Allele frequency attached by ClinVar (database versions not stated): gnomAD exomes 0.00001; ExAC 0.00002; gnomAD 0.00002; TOPMed 0.00003; ESP Exome Variant Server 0.00008.
gnomAD v4.1: 90 of 1,614,044 alleles (0.0056%); highest among the groups gnomAD compares: Non-Finnish European, 0.0075%; no homozygotes.

Submissions (2):

PreventionGenetics, part of Exact Sciences
Classification: Uncertain significance for DST-related condition. Last evaluated: 2025-09-08. Review status: criteria provided, single submitter. Criteria: ACMG Guidelines, 2015. Collection method: clinical testing. Allele origin: germline.
Comment: The DST c.115A>G variant is predicted to result in the amino acid substitution p.Thr39Ala. To our knowledge, this variant has not been reported in the literature. This variant is reported in 0.0023% of alleles in individuals of European (Non-Finnish) descent in gnomAD. At this time, the clinical significance of this variant is uncertain due to the absence of conclusive functional and genetic evidence.

Labcorp Genetics (formerly Invitae), Labcorp
Classification: Uncertain significance for Epidermolysis bullosa simplex 3, localized or generalized intermediate, with BP230 deficiency; Hereditary sensory and autonomic neuropathy type 6. Last evaluated: 2021-08-31. Review status: criteria provided, single submitter. Criteria: Invitae Variant Classification Sherloc (09022015). Collection method: clinical testing. Allele origin: germline.
Comment: This sequence change replaces threonine with alanine at codon 39 of the DST protein (p.Thr39Ala). The threonine residue is weakly conserved and there is a small physicochemical difference between threonine and alanine. This variant is present in population databases (rs372226813, ExAC 0.003%). This variant has not been reported in the literature in individuals affected with DST-related conditions. Algorithms developed to predict the effect of missense changes on protein structure and function are either unavailable or do not agree on the potential impact of this missense change (SIFT: "Tolerated"; PolyPhen-2: "Probably Damaging"; Align-GVGD: "Class C0"). Algorithms developed to predict the effect of sequence changes on RNA splicing suggest that this variant may create or strengthen a splice site. In summary, the available evidence is currently insufficient to determine the role of this variant in disease. Therefore, it has been classified as a Variant of Uncertain Significance.